The following is an entry in ClinVar:

NM_001165963.4(SCN1A):c.4554dup (p.Pro1519fs)

Genes: SCN1A (sodium voltage-gated channel alpha subunit 1; minus strand), LOC102724058 (uncharacterized LOC102724058; plus strand). Cytogenetic location: 2q24.3.
Variant type: Duplication.
Coding change: c.4554dup on transcript NM_001165963.4 (MANE Select); coding-DNA position 4554, one base duplicated (A; older notation c.4554dupA).
Protein change: p.Pro1519fs; shifts the reading frame from proline 1519.
Molecular consequence: frameshift variant. On other transcripts: non-coding transcript variant (1).
Genome position (GRCh38, 1-based): chr2:165,996,040, T duplicated on the plus strand (A on the coding strand, the reverse complement: SCN1A is on the minus strand); the first of 6 consecutive T bases (chr2:165,996,040-165,996,045); duplicating any one gives the same sequence. VCF-style (leftmost placement, unchanged base first): chr2-165996039-G-GT. GRCh37 (hg19) VCF-style: chr2-166852549-G-GT.
Other names: c.4470dup, p.Pro1491fs (NM_001165964.3, NM_001353957.2, NM_001353958.2); c.4554dup, p.Pro1519fs (NM_001202435.3, NM_001353948.2); c.4521dup, p.Pro1508fs (NM_001353949.2, NM_001353950.2, NM_001353951.2 and 2 more transcripts); c.4518dup, p.Pro1507fs (NM_001353954.2, NM_001353955.2); c.4467dup, p.Pro1490fs (NM_001353960.2); c.2112dup, p.Pro705fs (NM_001353961.2); short protein forms P1490fs, P705fs, P1508fs, P1519fs, P1507fs, P1491fs.
Identifiers: ClinVar variation 206920 (VCV000206920.16), dbSNP rs794726825, ClinGen allele CA317738.

ClinVar aggregate classification (germline): Pathogenic. Review status: criteria provided, multiple submitters, no conflicts (2 of 4 stars). 8 submissions from 8 submitters: Pathogenic (6). 2 of the submissions do not count toward it. Last evaluated 2026-11-06.

Conditions:
SCN1A-related disorder. Also called: SCN1A-related conditions; SCN1A-related condition; SCN1A-related disorders.
Migraine, familial hemiplegic, 3. Identifiers: Orphanet 569, MedGen C1864987, MONDO:0012320, OMIM 609634.
Seizure. Also called: Seizures. Identifiers: MedGen C0036572, HP:0001250.
Severe myoclonic epilepsy in infancy (DRVT). Also called: SEVERE MYOCLONIC EPILEPSY OF INFANCY; DEVELOPMENTAL AND EPILEPTIC ENCEPHALOPATHY 6A; Dravet syndrome; Epileptic encephalopathy, early infantile, 6 (Dravet syndrome); Severe Myoclonic Epilepsy in Infancy (SMEI). Identifiers: Orphanet 33069, MedGen C0751122, MONDO:0100135, OMIM 607208.
SCN1A-Related Dravet Syndrome. Identifiers: MedGen CN381331.
Early-infantile DEE. Also called: Ohtahara syndrome; Early infantile epileptic encephalopathy; Early infantile epileptic encephalopathy with suppression bursts. Identifiers: Orphanet 1934, MedGen C0393706, MONDO:0800491.

Submissions (8):

Clinical Genetics Laboratory, Skane University Hospital Lund
Classification: Pathogenic for SCN1A-Related Dravet Syndrome. Last evaluated: 2026-11-06. Review status: criteria provided, single submitter. Criteria: ACMG Guidelines, 2015. Collection method: clinical testing. Allele origin: germline. Affected: yes.
Comment: ACMG criteria used: PVS1, PS4, PM2.

Labcorp Genetics (formerly Invitae), Labcorp
Classification: Pathogenic for Early-infantile DEE. Last evaluated: 2025-05-11. Review status: criteria provided, single submitter. Criteria: Invitae Variant Classification Sherloc (09022015). Collection method: clinical testing. Allele origin: germline.
Comment: This sequence change creates a premature translational stop signal (p.Pro1519Thrfs*18) in the SCN1A gene. It is expected to result in an absent or disrupted protein product. Loss-of-function variants in SCN1A are known to be pathogenic (PMID: 17347258, 18930999). This variant is not present in population databases (gnomAD no frequency). This premature translational stop signal has been observed in individual(s) with SCN1A-related conditions (PMID: 17561957, 23195492, 31864146, 32090326). This variant is also known as c.4589insA (K1517ins1536X); c.4554-4555insA (P1519fsX1536). ClinVar contains an entry for this variant (Variation ID: 206920). For these reasons, this variant has been classified as Pathogenic.

Genomic Medicine Center of Excellence, King Faisal Specialist Hospital and Research Centre
Classification: Pathogenic for Severe myoclonic epilepsy in infancy. Last evaluated: 2024-12-04. Review status: criteria provided, single submitter. Criteria: ACMG Guidelines, 2015. Collection method: clinical testing. Allele origin: germline.

Blueprint Genetics
Classification: Pathogenic for SCN1A-related disorders. Last evaluated: 2020-08-17. Review status: criteria provided, single submitter. Criteria: ACMG Guidelines, 2015. Collection method: clinical testing. Allele origin: germline. Affected: yes. Observed: 2 variant alleles.

Genetic Services Laboratory, University of Chicago
Classification: Pathogenic for Seizure. Last evaluated: 2016-03-25. Review status: criteria provided, single submitter. Criteria: ACMG Guidelines, 2015. Collection method: clinical testing. Allele origin: germline. Affected: yes.

GeneDx
Classification: Pathogenic. Last evaluated: 2014-12-15. Review status: criteria provided, single submitter. Criteria: GeneDx Variant Classification (06012015). Collection method: clinical testing. Allele origin: germline. Affected: yes.
Comment: c.4554dupA: p.Pro1519ThrfsX18 (P1519TfsX18) in exon 24 of the SCN1A gene (NM_001165963.1). The normal sequence with the base that is duplicated in braces is: CGAAAAA{A}CCGC. The c.4554dupA mutation in the SCN1A gene was reported previously as c.4589insA using alternative nomenclature and was identified as a de novo mutation in an individual with Dravet syndrome (Marini et al., 2007). The duplication causes a frameshift starting with codon Proline 1519, changes this amino acid to a Threonine residue and creates a premature Stop codon at position 18 of the new reading frame, denoted p.Pro1519ThrfsX18. This mutation is predicted to cause loss of normal protein function either through protein truncation or nonsense-mediated mRNA decay. Therefore, the presence of c.4554dupA is consistent with a diagnosis of an SCN1A-related disorder. The variant is found in EPILEPSYV2-1 panel(s).

Center of Excellence for Medical Genomics, Chulalongkorn University
Classification: Pathogenic for Migraine, familial hemiplegic, 3. Last evaluated: 2002-09-08. Review status: no assertion criteria provided. Collection method: research. Allele origin: de novo. Affected: yes. Not counted in ClinVar's aggregate classification.

NIHR Bioresource Rare Diseases, University of Cambridge
Classification: Pathogenic for Seizure. Review status: no assertion criteria provided. Collection method: research. Allele origin: unknown. Affected: yes. Observed: 1 variant allele. Not counted in ClinVar's aggregate classification.

Literature cited by the submitters: PubMed 17347258 (cited by Labcorp Genetics (formerly Invitae), Labcorp); PubMed 18930999 (cited by Labcorp Genetics (formerly Invitae), Labcorp); PubMed 17561957 (cited by Labcorp Genetics (formerly Invitae), Labcorp); PubMed 23195492 (cited by Labcorp Genetics (formerly Invitae), Labcorp); PubMed 31864146 (cited by Labcorp Genetics (formerly Invitae), Labcorp); PubMed 32090326 (cited by Labcorp Genetics (formerly Invitae), Labcorp); PubMed 32581362 (cited by NIHR Bioresource Rare Diseases, University of Cambridge).